The following is an entry in ClinVar:

ClinVar aggregate classification (germline): Conflicting classifications of pathogenicity. Review status: criteria provided, conflicting classifications (1 of 4 stars). 3 submissions from 3 submitters: Uncertain significance (1); Likely benign (1). 1 of the submissions does not count toward it. Last evaluated 2026-01-26.

Conditions:
USH2A-related disorder. Also called: USH2A-related disorders; USH2A-related condition. Identifiers: MedGen CN239332.

Allele frequency attached by ClinVar (database versions not stated): gnomAD exomes 0.00002 and 0.00004; ExAC 0.00004; 1000 Genomes Project 30x 0.00016; 1000 Genomes Project 0.00020; TOPMed 0.00022; gnomAD 0.00026 and 0.00028.
gnomAD v4.1: 66 of 1,613,420 alleles (0.0041%); highest among the groups gnomAD compares: African/African-American, 0.077%; no homozygotes.

Submissions (3):

Labcorp Genetics (formerly Invitae), Labcorp
Classification: Likely benign. Last evaluated: 2026-01-26. Review status: criteria provided, single submitter. Criteria: Invitae Variant Classification Sherloc (09022015). Collection method: clinical testing. Allele origin: germline.

Blueprint Genetics
Classification: Uncertain significance. Last evaluated: 2022-03-01. Review status: criteria provided, single submitter. Criteria: ACMG Guidelines, 2015. Collection method: clinical testing. Allele origin: germline.

PreventionGenetics, part of Exact Sciences
Classification: Likely benign for USH2A-related condition. Last evaluated: 2024-02-19. Review status: no assertion criteria provided. Collection method: clinical testing. Allele origin: germline. Not counted in ClinVar's aggregate classification.
Comment: This variant is classified as likely benign based on ACMG/AMP sequence variant interpretation guidelines (Richards et al. 2015 PMID: 25741868, with internal and published modifications).

NM_206933.4(USH2A):c.7311C>T (p.Gly2437=)

Gene: USH2A (usherin; minus strand). Cytogenetic location: 1q41.
Variant type: single nucleotide variant.
Coding change: c.7311C>T on transcript NM_206933.4 (MANE Select); coding-DNA position 7311, C replaced by T.
Protein change: p.Gly2437=; no amino-acid change (glycine 2437 retained).
Molecular consequence: synonymous variant.
Genome position (GRCh38, 1-based): chr1:215,900,895, G>A on the plus strand (C>T on the coding strand, the complement: USH2A is on the minus strand). VCF-style: chr1-215900895-G-A. GRCh37 (hg19) VCF-style: chr1-216074237-G-A.
Other names: c.7311C>T (NM_206933.2).
Identifiers: ClinVar variation 1626661 (VCV001626661.11), dbSNP rs552327619, ClinGen allele CA1394873.